The following is an entry in ClinVar:

NM_138927.4(SON):c.4724G>T (p.Arg1575Leu)

Gene: SON (SON DNA and RNA binding protein; plus strand). Cytogenetic location: 21q22.11.
Variant type: single nucleotide variant.
Coding change: c.4724G>T on transcript NM_138927.4 (MANE Select); coding-DNA position 4724, G replaced by T.
Protein change: p.Arg1575Leu; replaces arginine 1575 with leucine.
Molecular consequence: missense variant. On other transcripts: non-coding transcript variant (1), intron variant (1).
Genome position (GRCh38, 1-based): chr21:33,553,955, G>T. VCF-style: chr21-33553955-G-T. GRCh37 (hg19) VCF-style: chr21-34926261-G-T.
Other names: c.4724G>T, p.Arg1575Leu (NM_001291411.2, NM_032195.3); c.245-3201G>T (NM_001291412.3); short protein forms R1575L.
Identifiers: ClinVar variation 4713656 (VCV004713656.1).
Genomic context (GRCh38, chr21:33,553,955, plus strand): 5'-CTAGTCCTGTTGGGGAAATTGGTGAAGAGAAAATTTTGCCCACCAGTGAGACTAAACAGC[G>T]CACAGTATTGGATACCTACCCTGGTGTTAGTGAAGCTGATGCAGGAGAAACTCTATCTTC-3'
Protein context (NP_620305.3, residues 1565-1585): KILPTSETKQ[Arg1575Leu]TVLDTYPGVS

ClinVar aggregate classification (germline): Uncertain significance (1 of 4 stars; one submission).

Submission:

Labcorp Genetics (formerly Invitae), Labcorp
Classification: Uncertain significance. Last evaluated: 2025-02-23. Review status: criteria provided, single submitter. Criteria: Invitae Variant Classification Sherloc (09022015). Collection method: clinical testing. Allele origin: germline.
Comment: This sequence change replaces arginine, which is basic and polar, with leucine, which is neutral and non-polar, at codon 1575 of the SON protein (p.Arg1575Leu). This variant is not present in population databases (gnomAD no frequency). This variant has not been reported in the literature in individuals affected with SON-related conditions. An algorithm developed to predict the effect of missense changes on protein structure and function (PolyPhen-2) suggests that this variant is likely to be tolerated. In summary, the available evidence is currently insufficient to determine the role of this variant in disease. Therefore, it has been classified as a Variant of Uncertain Significance.